The following is an entry in ClinVar:

ClinVar aggregate classification (germline): Uncertain significance (1 of 4 stars; one submission).

Allele frequency attached by ClinVar (database versions not stated): gnomAD exomes below 0.00001.
gnomAD v4.1: 1 of 1,613,626 alleles (0.000062%); highest among the groups gnomAD compares: Non-Finnish European, 0.000085%; no homozygotes.

Submission:

GeneDx
Classification: Uncertain significance. Last evaluated: 2023-04-11. Review status: criteria provided, single submitter. Criteria: GeneDx Variant Classification Process June 2021. Collection method: clinical testing. Allele origin: germline. Affected: yes.
Comment: Not observed at significant frequency in large population cohorts (gnomAD); In silico analysis supports that this missense variant does not alter protein structure/function; Has not been previously published as pathogenic or benign to our knowledge

NM_015057.5(MYCBP2):c.9432G>A (p.Met3144Ile)

Gene: MYCBP2 (MYC binding protein 2; minus strand). Cytogenetic location: 13q22.3.
Variant type: single nucleotide variant.
Coding change: c.9432G>A on transcript NM_015057.5 (MANE Select); coding-DNA position 9432, G replaced by A.
Protein change: p.Met3144Ile; replaces methionine 3144 with isoleucine.
Molecular consequence: missense variant.
Genome position (GRCh38, 1-based): chr13:77,097,722, C>T on the plus strand (G>A on the coding strand, the complement: MYCBP2 is on the minus strand). VCF-style: chr13-77097722-C-T. GRCh37 (hg19) VCF-style: chr13-77671857-C-T.
Other names: short protein forms M3144I.
Identifiers: ClinVar variation 2662172 (VCV002662172.1), dbSNP rs2503549330, ClinGen allele CA388388559.